The following is an entry in ClinVar:

NM_006766.5(KAT6A):c.4953G>A (p.Pro1651=)

Gene: KAT6A (lysine acetyltransferase 6A; minus strand). Cytogenetic location: 8p11.21.
Variant type: single nucleotide variant.
Coding change: c.4953G>A on transcript NM_006766.5 (MANE Select); coding-DNA position 4953, G replaced by A.
Protein change: p.Pro1651=; no amino-acid change (proline 1651 retained).
Molecular consequence: synonymous variant.
Genome position (GRCh38, 1-based): chr8:41,933,267, C>T on the plus strand (G>A on the coding strand, the complement: KAT6A is on the minus strand). VCF-style: chr8-41933267-C-T. GRCh37 (hg19) VCF-style: chr8-41790785-C-T.
Other names: c.4953G>A (NM_006766.4).
Identifiers: ClinVar variation 1744344 (VCV001744344.9), dbSNP rs765452256, ClinGen allele CA4729399.

ClinVar aggregate classification (germline): Benign/Likely benign. Review status: criteria provided, multiple submitters, no conflicts (2 of 4 stars). 3 submissions from 3 submitters: Benign (1); Likely benign (1). 1 of the submissions does not count toward it. Last evaluated 2026-01-11.

Conditions:
KAT6A-related disorder. Also called: KAT6A-related condition.
Inborn genetic diseases. Identifiers: MedGen C0950123, MeSH D030342.

Allele frequency attached by ClinVar (database versions not stated): ExAC 0.00003; gnomAD 0.00003; TOPMed 0.00003.

Submissions (3):

Labcorp Genetics (formerly Invitae), Labcorp
Classification: Benign. Last evaluated: 2026-01-11. Review status: criteria provided, single submitter. Criteria: Invitae Variant Classification Sherloc (09022015). Collection method: clinical testing. Allele origin: germline.

Ambry Genetics
Classification: Likely benign for Inborn genetic diseases. Last evaluated: 2020-06-15. Review status: criteria provided, single submitter. Criteria: Ambry Variant Classification Scheme 2023. Collection method: clinical testing. Allele origin: germline.

PreventionGenetics, part of Exact Sciences
Classification: Likely benign for KAT6A-related condition. Last evaluated: 2024-02-16. Review status: no assertion criteria provided. Collection method: clinical testing. Allele origin: germline. Not counted in ClinVar's aggregate classification.
Comment: This variant is classified as likely benign based on ACMG/AMP sequence variant interpretation guidelines (Richards et al. 2015 PMID: 25741868, with internal and published modifications).